The following is an entry in ClinVar:

NM_001069.3(TUBB2A):c.1241A>G (p.Asn414Ser)

Gene: TUBB2A (tubulin beta 2A class IIa; minus strand). Cytogenetic location: 6p25.2.
Variant type: single nucleotide variant.
Coding change: c.1241A>G on transcript NM_001069.3 (MANE Select); coding-DNA position 1241, A replaced by G.
Protein change: p.Asn414Ser; replaces asparagine 414 with serine.
Molecular consequence: missense variant.
Genome position (GRCh38, 1-based): chr6:3,153,960, T>C on the plus strand (A>G on the coding strand, the complement: TUBB2A is on the minus strand). VCF-style: chr6-3153960-T-C. GRCh37 (hg19) VCF-style: chr6-3154194-T-C.
Other names: c.986A>G, p.Asn329Ser (NM_001310315.2); short protein forms N329S, N414S.
Identifiers: ClinVar variation 1722304 (VCV001722304.5), dbSNP rs2533523487, ClinGen allele CA362590898.
Genomic context (GRCh38, chr6:3,153,960, plus strand): 5'-CCTTGTTCGTCGGCCGTGGCGTCCTGGTACTGCTGGTACTCGGACACCAGGTCGTTCATG[T>C]TGCTCTCGGCCTCGGTGAACTCCATCTCGTCCATGCCCTCGCCCGTGTACCAGTGCAGGA-3'
Protein context (NP_001060.1, residues 404-424): DEMEFTEAES[Asn414Ser]MNDLVSEYQQ

ClinVar aggregate classification (germline): Uncertain significance (1 of 4 stars; one submission).

Submission:

Labcorp Genetics (formerly Invitae), Labcorp
Classification: Uncertain significance. Last evaluated: 2023-08-17. Review status: criteria provided, single submitter. Criteria: Invitae Variant Classification Sherloc (09022015). Collection method: clinical testing. Allele origin: germline.
Comment: This sequence change replaces asparagine, which is neutral and polar, with serine, which is neutral and polar, at codon 414 of the TUBB2A protein (p.Asn414Ser). In summary, the available evidence is currently insufficient to determine the role of this variant in disease. Therefore, it has been classified as a Variant of Uncertain Significance. This variant is not present in population databases (gnomAD no frequency). This variant has not been reported in the literature in individuals affected with TUBB2A-related conditions. ClinVar contains an entry for this variant (Variation ID: 1722304). Advanced modeling of protein sequence and biophysical properties (such as structural, functional, and spatial information, amino acid conservation, physicochemical variation, residue mobility, and thermodynamic stability) performed at Invitae indicates that this missense variant is not expected to disrupt TUBB2A protein function.